The following is an entry in ClinVar:

ClinVar aggregate classification (germline): Uncertain significance (1 of 4 stars; one submission).

Conditions:
Hereditary cancer-predisposing syndrome. Also called: Neoplastic Syndromes, Hereditary; Tumor predisposition; Hereditary Cancer Syndrome; Hereditary neoplastic syndrome. Identifiers: Orphanet 140162, MedGen C0027672, MeSH D009386, MONDO:0015356.

Submission:

Ambry Genetics
Classification: Uncertain significance for Hereditary cancer-predisposing syndrome. Last evaluated: 2026-05-31. Review status: criteria provided, single submitter. Criteria: Ambry Variant Classification Scheme 2023. Collection method: clinical testing. Allele origin: germline.
Comment: The p.R195C variant (also known as c.583C>T), located in coding exon 7 of the SMARCE1 gene, results from a C to T substitution at nucleotide position 583. The arginine at codon 195 is replaced by cysteine, an amino acid with highly dissimilar properties. This amino acid position is conserved. In addition, this alteration is predicted to be deleterious by in silico analysis. Based on the available evidence, the clinical significance of this variant remains unclear.

NM_003079.5(SMARCE1):c.583C>T (p.Arg195Cys)

Gene: SMARCE1 (SWI/SNF related BAF chromatin remodeling complex subunit E1; minus strand). Cytogenetic location: 17q21.2.
Variant type: single nucleotide variant.
Coding change: c.583C>T on transcript NM_003079.5 (MANE Select); coding-DNA position 583, C replaced by T.
Protein change: p.Arg195Cys; replaces arginine 195 with cysteine.
Molecular consequence: missense variant.
Genome position (GRCh38, 1-based): chr17:40,632,326, G>A on the plus strand (C>T on the coding strand, the complement: SMARCE1 is on the minus strand). VCF-style: chr17-40632326-G-A. GRCh37 (hg19) VCF-style: chr17-38788578-G-A.
Other names: short protein forms R195C.
Identifiers: ClinVar variation 4864879 (VCV004864879.1).